The following is an entry in ClinVar:

NM_017780.4(CHD7):c.2347C>G (p.Pro783Ala)

Gene: CHD7 (chromodomain helicase DNA binding protein 7; plus strand). Cytogenetic location: 8q12.2.
Variant type: single nucleotide variant.
Coding change: c.2347C>G on transcript NM_017780.4 (MANE Select); coding-DNA position 2347, C replaced by G.
Protein change: p.Pro783Ala; replaces proline 783 with alanine.
Molecular consequence: missense variant. On other transcripts: intron variant (1).
Genome position (GRCh38, 1-based): chr8:60,800,496, C>G. VCF-style: chr8-60800496-C-G. GRCh37 (hg19) VCF-style: chr8-61713055-C-G.
Other names: c.1716+19446C>G (NM_001316690.1); short protein forms P783A.
Identifiers: ClinVar variation 1387235 (VCV001387235.8), dbSNP rs373873996, ClinGen allele CA371300702.
Genomic context (GRCh38, chr8:60,800,496, plus strand): 5'-CTGGAGTTCAAGATTTCTGATGAGGAGGCAGATGATGCAGATGCTGCTGGGAGGGATTCC[C>G]CCTCCAACACCTCCCAGTCAGAACAGCAGGTTAGTACCAGATCTGTGGGATTTATGGATG-3'
Protein context (NP_060250.2, residues 773-793): DDADAAGRDS[Pro783Ala]SNTSQSEQQE

ClinVar aggregate classification (germline): Uncertain significance (1 of 4 stars; one submission).

Conditions:
CHARGE syndrome (CHARGE). Also called: Hittner Hirsch Kreh syndrome; CHARGE ASSOCIATION--COLOBOMA, HEART ANOMALY, CHOANAL ATRESIA, RETARDATION, GENITAL AND EAR ANOMALIES; Coloboma, heart anomaly, choanal atresia, retardation, genital and ear anomalies; CHARGE association; Hall-Hittner syndrome. Identifiers: Orphanet 138, MedGen C0265354, MONDO:0008965.

Submission:

Labcorp Genetics (formerly Invitae), Labcorp
Classification: Uncertain significance for CHARGE syndrome. Last evaluated: 2021-05-28. Review status: criteria provided, single submitter. Criteria: Invitae Variant Classification Sherloc (09022015). Collection method: clinical testing. Allele origin: germline.
Comment: In summary, the available evidence is currently insufficient to determine the role of this variant in disease. Therefore, it has been classified as a Variant of Uncertain Significance. Advanced modeling of protein sequence and biophysical properties (such as structural, functional, and spatial information, amino acid conservation, physicochemical variation, residue mobility, and thermodynamic stability) performed at Invitae indicates that this missense variant is not expected to disrupt CHD7 protein function. This variant has not been reported in the literature in individuals with CHD7-related conditions. This variant is not present in population databases (ExAC no frequency). This sequence change replaces proline with alanine at codon 783 of the CHD7 protein (p.Pro783Ala). The proline residue is highly conserved and there is a small physicochemical difference between proline and alanine.